The following is an entry in ClinVar:

ClinVar aggregate classification (germline): Uncertain significance. Review status: criteria provided, multiple submitters, no conflicts (2 of 4 stars). 2 submissions from 2 submitters: Uncertain significance (2). Last evaluated 2022-10-24.

Conditions:
Leukocyte adhesion deficiency 1 (LAD1). Also called: LEUKOCYTE ADHESION DEFICIENCY, TYPE I; LAD 1; Lymphocyte function-associated antigen 1 immunodeficiency; LFA 1 immunodeficiency. Identifiers: Orphanet 2968, Orphanet 99842, MedGen C0398738, MONDO:0007293, OMIM 116920.

Allele frequency attached by ClinVar (database versions not stated): TOPMed 0.00046; ExAC 0.00049; gnomAD exomes 0.00053 and 0.00067; gnomAD 0.00054 and 0.00056; ESP Exome Variant Server 0.00100.
gnomAD v4.1: 1,048 of 1,611,774 alleles (0.065%); highest among the groups gnomAD compares: Non-Finnish European, 0.079%; no homozygotes.

Submissions (2):

Labcorp Genetics (formerly Invitae), Labcorp
Classification: Uncertain significance for Leukocyte adhesion deficiency 1. Last evaluated: 2022-10-24. Review status: criteria provided, single submitter. Criteria: Invitae Variant Classification Sherloc (09022015). Collection method: clinical testing. Allele origin: germline.
Comment: This sequence change replaces serine, which is neutral and polar, with asparagine, which is neutral and polar, at codon 453 of the ITGB2 protein (p.Ser453Asn). This variant is present in population databases (rs138659490, gnomAD 0.09%), and has an allele count higher than expected for a pathogenic variant. This missense change has been observed in individual(s) with leukocyte adhesion deficiency (PMID: 22134107). ClinVar contains an entry for this variant (Variation ID: 530681). Algorithms developed to predict the effect of missense changes on protein structure and function output the following: SIFT: "Tolerated"; PolyPhen-2: "Benign"; Align-GVGD: "Class C0". The asparagine amino acid residue is found in multiple mammalian species, which suggests that this missense change does not adversely affect protein function. Experimental studies have shown that this missense change does not substantially affect ITGB2 function (PMID: 25514840). In summary, the available evidence is currently insufficient to determine the role of this variant in disease. Therefore, it has been classified as a Variant of Uncertain Significance.

Fulgent Genetics
Classification: Uncertain significance for Leukocyte adhesion deficiency 1. Last evaluated: 2021-10-18. Review status: criteria provided, single submitter. Criteria: ACMG Guidelines, 2015. Collection method: clinical testing. Allele origin: unknown.

Literature cited by the submitters: PubMed 22134107 (cited by Labcorp Genetics (formerly Invitae), Labcorp); PubMed 25514840 (cited by Labcorp Genetics (formerly Invitae), Labcorp).

NM_000211.5(ITGB2):c.1358G>A (p.Ser453Asn)

Gene: ITGB2 (integrin subunit beta 2; minus strand). Cytogenetic location: 21q22.3.
Variant type: single nucleotide variant.
Coding change: c.1358G>A on transcript NM_000211.5 (MANE Select); coding-DNA position 1358, G replaced by A.
Protein change: p.Ser453Asn; replaces serine 453 with asparagine.
Molecular consequence: missense variant.
Genome position (GRCh38, 1-based): chr21:44,891,863, C>T on the plus strand (G>A on the coding strand, the complement: ITGB2 is on the minus strand). VCF-style: chr21-44891863-C-T. GRCh37 (hg19) VCF-style: chr21-46311778-C-T.
Other names: c.1358G>A, p.Ser453Asn (NM_001127491.3); c.1151G>A, p.Ser384Asn (NM_001303238.2); short protein forms S453N, S384N.
Identifiers: ClinVar variation 530681 (VCV000530681.8), dbSNP rs138659490, ClinGen allele CA10062850.